The following is an entry in ClinVar:

ClinVar aggregate classification (germline): Uncertain significance (1 of 4 stars; one submission).

Submission:

GeneDx
Classification: Uncertain significance. Last evaluated: 2023-05-12. Review status: criteria provided, single submitter. Criteria: GeneDx Variant Classification Process June 2021. Collection method: clinical testing. Allele origin: germline. Affected: yes.
Comment: Not observed at significant frequency in large population cohorts (gnomAD); In-frame insertion of 1 amino acid in a non-repeat region; Has not been previously published as pathogenic or benign to our knowledge

NM_021830.5(TWNK):c.561_563dup (p.Asp188dup)

Gene: TWNK (twinkle mtDNA helicase; plus strand). Cytogenetic location: 10q24.31.
Variant type: Duplication.
Coding change: c.561_563dup on transcript NM_021830.5 (MANE Select); coding-DNA positions 561 to 563, 3 bases duplicated (TGA; older notation c.561_563dupTGA).
Protein change: p.Asp188dup; duplicates aspartic acid 188.
Molecular consequence: inframe insertion. On other transcripts: non-coding transcript variant (4), intron variant (3).
Genome position (GRCh38, 1-based): chr10:100,988,771-100,988,773, TGA duplicated; duplicating any 3 consecutive bases within chr10:100,988,769-100,988,773 gives the same sequence; the c. name uses the placement nearest the transcript's 3' end. VCF-style (leftmost placement, unchanged base first): chr10-100988768-A-AGAT. GRCh37 (hg19) VCF-style: chr10-102748525-A-AGAT.
Other names: c.561_563dup, p.Asp188dup (NM_001163812.2); c.-119-873_-119-871dup (NM_001163814.2, NM_001163813.2); c.-57-935_-57-933dup (NM_001368275.1).
Identifiers: ClinVar variation 1314271 (VCV001314271.3), dbSNP rs2133936093, ClinGen allele CA2573053223.
Genomic context (GRCh38, chr10:100,988,768, plus strand): 5'-GCTGCCTGATCAGGAGGAGGTTCAGCTGGCTGATACAATGTTTGGCCTTACCAAGGTTAC[A>AGAT]GATGACACACTCAAGCGTTTCAGTGTGCGATATCTGCGACCTGCTCGCAGTCTTGTCTTC-3'